The following is an entry in ClinVar:

NM_003906.5(MCM3AP):c.3152C>T (p.Pro1051Leu)

Gene: MCM3AP (minichromosome maintenance complex component 3 associated protein; minus strand). Cytogenetic location: 21q22.3.
Variant type: single nucleotide variant.
Coding change: c.3152C>T on transcript NM_003906.5 (MANE Select); coding-DNA position 3152, C replaced by T.
Protein change: p.Pro1051Leu; replaces proline 1051 with leucine.
Molecular consequence: missense variant.
Genome position (GRCh38, 1-based): chr21:46,265,403, G>A on the plus strand (C>T on the coding strand, the complement: MCM3AP is on the minus strand). VCF-style: chr21-46265403-G-A. GRCh37 (hg19) VCF-style: chr21-47685317-G-A.
Other names: p.Pro1051Leu; c.3152C>T (NM_003906.4); short protein forms P1051L.
Identifiers: ClinVar variation 1607531 (VCV001607531.40), dbSNP rs17182850, ClinGen allele CA10076609.

ClinVar aggregate classification (germline): Benign/Likely benign. Review status: criteria provided, multiple submitters, no conflicts (2 of 4 stars). 5 submissions from 5 submitters: Benign (4); Likely benign (1). Last evaluated 2026-08-01.

Conditions:
MCM3AP-related disorder. Also called: MCM3AP-related condition.

Allele frequency attached by ClinVar (database versions not stated): 1000 Genomes Project 30x 0.00062; 1000 Genomes Project 0.00080; TOPMed 0.00295; ESP Exome Variant Server 0.00323; gnomAD 0.00495 and 0.00515; ExAC 0.00511.

Submissions (5):

CeGaT Center for Human Genetics Tuebingen
Classification: Likely benign. Last evaluated: 2026-08-01. Review status: criteria provided, single submitter. Criteria: CeGaT Center For Human Genetics Tuebingen Variant Classification Criteria Version 2. Collection method: clinical testing. Allele origin: germline. Affected: yes. Observed: 13 variant alleles.
Comment: MCM3AP: BP4, BS2

Labcorp Genetics (formerly Invitae), Labcorp
Classification: Benign. Last evaluated: 2026-01-27. Review status: criteria provided, single submitter. Criteria: Invitae Variant Classification Sherloc (09022015). Collection method: clinical testing. Allele origin: germline.

PreventionGenetics, part of Exact Sciences
Classification: Benign for MCM3AP-related condition. Last evaluated: 2025-01-24. Review status: criteria provided, single submitter. Criteria: ACMG Guidelines, 2015. Collection method: clinical testing. Allele origin: germline.
Comment: This variant is classified as benign based on ACMG/AMP sequence variant interpretation guidelines (Richards et al. 2015 PMID: 25741868, with internal and published modifications).

Mayo Clinic Laboratories, Mayo Clinic
Classification: Benign. Last evaluated: 2023-08-17. Review status: criteria provided, single submitter. Criteria: ACMG Guidelines, 2015. Collection method: clinical testing. Allele origin: germline. Observed: 12 variant alleles.
Comment: BS1, BS2, BP4

Breakthrough Genomics
Classification: Benign. Review status: criteria provided, single submitter. Criteria: ACMG Guidelines, 2015. Collection method: not provided. Allele origin: germline. Inheritance: Autosomal recessive inheritance. Affected: yes.